The following is an entry in ClinVar:

ClinVar aggregate classification (germline): Uncertain significance. Review status: criteria provided, multiple submitters, no conflicts (2 of 4 stars). 2 submissions from 2 submitters: Uncertain significance (2). Last evaluated 2025-07-12.

gnomAD v4.1: 10 of 1,613,556 alleles (0.00062%); highest among the groups gnomAD compares: South Asian, 0.0011%; no homozygotes.

Submissions (2):

Ambry Genetics
Classification: Uncertain significance. Last evaluated: 2025-07-12. Review status: criteria provided, single submitter. Criteria: Ambry Variant Classification Scheme 2023. Collection method: clinical testing. Allele origin: germline.

Labcorp Genetics (formerly Invitae), Labcorp
Classification: Uncertain significance. Last evaluated: 2022-11-04. Review status: criteria provided, single submitter. Criteria: Invitae Variant Classification Sherloc (09022015). Collection method: clinical testing. Allele origin: germline.
Comment: In summary, the available evidence is currently insufficient to determine the role of this variant in disease. Therefore, it has been classified as a Variant of Uncertain Significance. Algorithms developed to predict the effect of missense changes on protein structure and function are either unavailable or do not agree on the potential impact of this missense change (SIFT: "Deleterious"; PolyPhen-2: "Probably Damaging"; Align-GVGD: "Class C0"). This variant has not been reported in the literature in individuals affected with A2ML1-related conditions. This variant is present in population databases (rs770246364, gnomAD 0.002%). This sequence change replaces alanine, which is neutral and non-polar, with glutamic acid, which is acidic and polar, at codon 590 of the A2ML1 protein (p.Ala590Glu).

NM_144670.6(A2ML1):c.1769C>A (p.Ala590Glu)

Gene: A2ML1 (alpha-2-macroglobulin like 1; plus strand). Cytogenetic location: 12p13.31.
Variant type: single nucleotide variant.
Coding change: c.1769C>A on transcript NM_144670.6 (MANE Select); coding-DNA position 1769, C replaced by A.
Protein change: p.Ala590Glu; replaces alanine 590 with glutamic acid.
Molecular consequence: missense variant.
Genome position (GRCh38, 1-based): chr12:8,847,634, C>A. VCF-style: chr12-8847634-C-A. GRCh37 (hg19) VCF-style: chr12-9000230-C-A.
Other names: c.296C>A, p.Ala99Glu (NM_001282424.3); c.1769C>A (NM_144670.3); short protein forms A99E, A590E.
Identifiers: ClinVar variation 2047450 (VCV002047450.5), dbSNP rs770246364, ClinGen allele CA6435807.